The following is an entry in ClinVar:

NM_001105206.3(LAMA4):c.1243G>A (p.Glu415Lys)

Gene: LAMA4 (laminin subunit alpha 4; minus strand). Cytogenetic location: 6q21.
Variant type: single nucleotide variant.
Coding change: c.1243G>A on transcript NM_001105206.3 (MANE Select); coding-DNA position 1243, G replaced by A.
Protein change: p.Glu415Lys; replaces glutamic acid 415 with lysine.
Molecular consequence: missense variant.
Genome position (GRCh38, 1-based): chr6:112,175,427, C>T on the plus strand (G>A on the coding strand, the complement: LAMA4 is on the minus strand). VCF-style: chr6-112175427-C-T. GRCh37 (hg19) VCF-style: chr6-112496629-C-T.
Other names: c.1222G>A, p.Glu408Lys (NM_001105207.3, NM_002290.5); short protein forms E415K, E408K.
Identifiers: ClinVar variation 955249 (VCV000955249.9), dbSNP rs1471999675, ClinGen allele CA365372062.
Genomic context (GRCh38, chr6:112,175,427, plus strand): 5'-GTTGACGGCTTCTAATCTCTTCAAGCATCTTCTGGGCCAACACCAGCTTCTCAGAGATTT[C>T]CTTGGGGCTAAGTTCATGCTCTTCCCCATAATAGAGCATCTTGTTGTTGATCTCTGAAAG-3'
Protein context (NP_001098676.2, residues 405-425): YGEEHELSPK[Glu415Lys]ISEKLVLAQK

ClinVar aggregate classification (germline): Uncertain significance (1 of 4 stars; one submission).

Conditions:
Dilated cardiomyopathy 1JJ (CMD1JJ). Identifiers: Orphanet 154, MedGen C3808935, MONDO:0014095, OMIM 615235.

Allele frequency attached by ClinVar (database versions not stated): TOPMed below 0.00001; gnomAD exomes 0.00001.

Submission:

Labcorp Genetics (formerly Invitae), Labcorp
Classification: Uncertain significance for Dilated cardiomyopathy 1JJ. Last evaluated: 2024-04-17. Review status: criteria provided, single submitter. Criteria: Invitae Variant Classification Sherloc (09022015). Collection method: clinical testing. Allele origin: germline.
Comment: This sequence change replaces glutamic acid, which is acidic and polar, with lysine, which is basic and polar, at codon 408 of the LAMA4 protein (p.Glu408Lys). This variant is not present in population databases (gnomAD no frequency). This variant has not been reported in the literature in individuals affected with LAMA4-related conditions. ClinVar contains an entry for this variant (Variation ID: 955249). An algorithm developed to predict the effect of missense changes on protein structure and function (PolyPhen-2) suggests that this variant is likely to be disruptive. In summary, the available evidence is currently insufficient to determine the role of this variant in disease. Therefore, it has been classified as a Variant of Uncertain Significance.